The following is an entry in ClinVar:

NM_018062.4(FANCL):c.273+1G>A

Gene: FANCL (FA complementation group L; minus strand). Cytogenetic location: 2p16.1.
Variant type: single nucleotide variant.
Coding change: c.273+1G>A on transcript NM_018062.4 (MANE Select); the canonical splice donor site of the intron after coding-DNA position 273, G replaced by A.
Molecular consequence: splice donor variant.
Genome position (GRCh38, 1-based): chr2:58,226,727, C>T on the plus strand (G>A on the coding strand, the complement: FANCL is on the minus strand). VCF-style: chr2-58226727-C-T. GRCh37 (hg19) VCF-style: chr2-58453862-C-T.
Other names: c.273+1G>A (NM_001374615.1, NM_001114636.2, NM_001410792.1).
Identifiers: ClinVar variation 566288 (VCV000566288.10), dbSNP rs144729980, ClinGen allele CA347034598.

ClinVar aggregate classification (germline): Likely pathogenic. Review status: criteria provided, multiple submitters, no conflicts (2 of 4 stars). 3 submissions from 3 submitters: Likely pathogenic (3). Last evaluated 2025-10-07.

Conditions:
Fanconi anemia (FA). Also called: Fanconi's anemia. Identifiers: Orphanet 84, MedGen C0015625, MeSH D005199, MONDO:0019391.
Fanconi anemia complementation group L (FANCL). Also called: FANCL-Related Fanconi Anemia. Identifiers: Orphanet 84, MedGen C3469528, MONDO:0013566, OMIM 614083.

Allele frequency attached by ClinVar (database versions not stated): TOPMed 0.00002.
gnomAD v4.1: 15 of 1,611,174 alleles (0.00093%); highest among the groups gnomAD compares: Non-Finnish European, 0.0013%; no homozygotes.

Submissions (3):

Labcorp Genetics (formerly Invitae), Labcorp
Classification: Likely pathogenic for Fanconi anemia. Last evaluated: 2025-10-07. Review status: criteria provided, single submitter. Criteria: Invitae Variant Classification Sherloc (09022015). Collection method: clinical testing. Allele origin: germline.
Comment: This sequence change affects a donor splice site in intron 4 of the FANCL gene. It is expected to disrupt RNA splicing. Variants that disrupt the donor or acceptor splice site typically lead to a loss of protein function (PMID: 16199547), and loss-of-function variants in FANCL are known to be pathogenic (PMID: 19405097, 23613520). This variant is not present in population databases (gnomAD no frequency). This variant has not been reported in the literature in individuals affected with FANCL-related conditions. ClinVar contains an entry for this variant (Variation ID: 566288). Algorithms developed to predict the effect of sequence changes on RNA splicing suggest that this variant may disrupt the consensus splice site. In summary, the currently available evidence indicates that the variant is pathogenic, but additional data are needed to prove that conclusively. Therefore, this variant has been classified as Likely Pathogenic.

Fulgent Genetics
Classification: Likely pathogenic for Fanconi anemia complementation group L. Last evaluated: 2024-04-11. Review status: criteria provided, single submitter. Criteria: ACMG Guidelines, 2015. Collection method: clinical testing. Allele origin: germline.

Baylor Genetics
Classification: Likely pathogenic for Fanconi anemia complementation group L. Last evaluated: 2024-03-07. Review status: criteria provided, single submitter. Criteria: ACMG Guidelines, 2015. Collection method: clinical testing. Allele origin: unknown.

Literature cited by the submitters: PubMed 16199547 (cited by Labcorp Genetics (formerly Invitae), Labcorp); PubMed 19405097 (cited by Labcorp Genetics (formerly Invitae), Labcorp); PubMed 23613520 (cited by Labcorp Genetics (formerly Invitae), Labcorp).